The following is an entry in ClinVar:

ClinVar aggregate classification (germline): Uncertain significance. Review status: criteria provided, multiple submitters, no conflicts (2 of 4 stars). 2 submissions from 2 submitters: Uncertain significance (2). Last evaluated 2024-10-09.

Allele frequency attached by ClinVar (database versions not stated): ExAC 0.00009; 1000 Genomes Project 30x 0.00016; 1000 Genomes Project 0.00020.
gnomAD v4.1: 50 of 700,422 alleles (0.0071%); highest among the groups gnomAD compares: Middle Eastern, 0.037%; no homozygotes.

Submissions (2):

Blueprint Genetics
Classification: Uncertain significance. Last evaluated: 2024-10-09. Review status: criteria provided, single submitter. Criteria: ACMG Guidelines, 2015. Collection method: clinical testing. Allele origin: germline.

Labcorp Genetics (formerly Invitae), Labcorp
Classification: Uncertain significance. Last evaluated: 2023-12-07. Review status: criteria provided, single submitter. Criteria: Invitae Variant Classification Sherloc (09022015). Collection method: clinical testing. Allele origin: germline.
Comment: This variant occurs in the RNU4ATAC gene, which encodes an RNA molecule that does not result in a protein product. This variant is present in population databases (rs531079609, gnomAD 0.01%). This variant has not been reported in the literature in individuals affected with RNU4ATAC-related conditions. ClinVar contains an entry for this variant (Variation ID: 1508332). Experimental studies and prediction algorithms are not available or were not evaluated, and the functional significance of this variant is currently unknown. In summary, the available evidence is currently insufficient to determine the role of this variant in disease. Therefore, it has been classified as a Variant of Uncertain Significance.

NC_000002.12:g.121530951A>G

Genes: CLASP1 (cytoplasmic linker associated protein 1; minus strand), CLASP1-AS1 (CLASP1 antisense RNA 1; plus strand), RNU4ATAC (RNA, U4atac small nuclear; plus strand). Cytogenetic location: 2q14.2.
Variant type: single nucleotide variant.
Molecular consequence: intron variant (on NM_001395891.1).
Genome position: GRCh38 VCF-style: chr2-121530951-A-G. GRCh37 (hg19) VCF-style: chr2-122288527-A-G.
Other names: c.196-626T>C (NM_001142274.2, NM_015282.3, NM_001378003.1 and 5 more transcripts).
Identifiers: ClinVar variation 1508332 (VCV001508332.5), dbSNP rs531079609, ClinGen allele CA1854719.